The following is an entry in ClinVar:

ClinVar aggregate classification (germline): Conflicting classifications of pathogenicity. Review status: criteria provided, conflicting classifications (1 of 4 stars). 3 submissions from 3 submitters: Uncertain significance (1); Likely benign (2). Last evaluated 2025-12-10.

Allele frequency attached by ClinVar (database versions not stated): TOPMed 0.00002; gnomAD 0.00004.
gnomAD v4.1: 52 of 1,594,912 alleles (0.0033%); highest among the groups gnomAD compares: Admixed American, 0.012%; no homozygotes.

Submissions (3):

Labcorp Genetics (formerly Invitae), Labcorp
Classification: Uncertain significance. Last evaluated: 2025-12-10. Review status: criteria provided, single submitter. Criteria: Invitae Variant Classification Sherloc (09022015). Collection method: clinical testing. Allele origin: germline.
Comment: This sequence change replaces alanine, which is neutral and non-polar, with threonine, which is neutral and polar, at codon 327 of the BACH2 protein (p.Ala327Thr). This variant is present in population databases (rs778156516, gnomAD 0.07%), and has an allele count higher than expected for a pathogenic variant. This variant has not been reported in the literature in individuals affected with BACH2-related conditions. ClinVar contains an entry for this variant (Variation ID: 2193871). Invitae Evidence Modeling of protein sequence and biophysical properties (such as structural, functional, and spatial information, amino acid conservation, physicochemical variation, residue mobility, and thermodynamic stability) indicates that this missense variant is not expected to disrupt BACH2 protein function with a negative predictive value of 80%. In summary, the available evidence is currently insufficient to determine the role of this variant in disease. Therefore, it has been classified as a Variant of Uncertain Significance.

Blueprint Genetics
Classification: Likely benign. Last evaluated: 2023-06-02. Review status: criteria provided, single submitter. Criteria: ACMG Guidelines, 2015. Collection method: clinical testing. Allele origin: germline.

CeGaT Center for Human Genetics Tuebingen
Classification: Likely benign. Last evaluated: 2023-04-01. Review status: criteria provided, single submitter. Criteria: CeGaT Center For Human Genetics Tuebingen Variant Classification Criteria Version 2. Collection method: clinical testing. Allele origin: germline. Affected: yes. Observed: 1 variant allele.
Comment: BACH2: BP4

NM_021813.4(BACH2):c.979G>A (p.Ala327Thr)

Gene: BACH2 (BACH transcriptional regulator 2; minus strand). Cytogenetic location: 6q15.
Variant type: single nucleotide variant.
Coding change: c.979G>A on transcript NM_021813.4 (MANE Select); coding-DNA position 979, G replaced by A.
Protein change: p.Ala327Thr; replaces alanine 327 with threonine.
Molecular consequence: missense variant.
Genome position (GRCh38, 1-based): chr6:89,951,127, C>T on the plus strand (G>A on the coding strand, the complement: BACH2 is on the minus strand). VCF-style: chr6-89951127-C-T. GRCh37 (hg19) VCF-style: chr6-90660846-C-T.
Other names: c.979G>A, p.Ala327Thr (NM_001170794.2); short protein forms A327T.
Identifiers: ClinVar variation 2193871 (VCV002193871.29), dbSNP rs778156516, ClinGen allele CA3928064.